The following is an entry in ClinVar:

NM_017612.5(ZCCHC8):c.934C>T (p.Arg312Trp)

Gene: ZCCHC8 (zinc finger CCHC-type containing 8; minus strand). Cytogenetic location: 12q24.31.
Variant type: single nucleotide variant.
Coding change: c.934C>T on transcript NM_017612.5 (MANE Select); coding-DNA position 934, C replaced by T.
Protein change: p.Arg312Trp; replaces arginine 312 with tryptophan.
Molecular consequence: missense variant.
Genome position (GRCh38, 1-based): chr12:122,481,606, G>A on the plus strand (C>T on the coding strand, the complement: ZCCHC8 is on the minus strand). VCF-style: chr12-122481606-G-A. GRCh37 (hg19) VCF-style: chr12-122966153-G-A.
Other names: c.703C>T, p.Arg235Trp (NM_001350935.2); c.637C>T, p.Arg213Trp (NM_001350936.2); c.220C>T, p.Arg74Trp (NM_001350937.2, NM_001350938.2); c.934C>T (NM_017612.3); short protein forms R213W, R235W, R312W, R74W.
Identifiers: ClinVar variation 1040667 (VCV001040667.9), dbSNP rs777624068, ClinGen allele CA6846326.

ClinVar aggregate classification (germline): Uncertain significance. Review status: criteria provided, multiple submitters, no conflicts (2 of 4 stars). 2 submissions from 2 submitters: Uncertain significance (2). Last evaluated 2025-08-31.

Allele frequency attached by ClinVar (database versions not stated): ExAC 0.00001.
gnomAD v4.1: 3 of 1,613,886 alleles (0.00019%); highest among the groups gnomAD compares: Admixed American, 0.0033%; no homozygotes.

Submissions (2):

Ambry Genetics
Classification: Uncertain significance. Last evaluated: 2025-08-31. Review status: criteria provided, single submitter. Criteria: Ambry Variant Classification Scheme 2023. Collection method: clinical testing. Allele origin: germline.

Labcorp Genetics (formerly Invitae), Labcorp
Classification: Uncertain significance. Last evaluated: 2022-10-17. Review status: criteria provided, single submitter. Criteria: Invitae Variant Classification Sherloc (09022015). Collection method: clinical testing. Allele origin: germline.
Comment: This sequence change replaces arginine, which is basic and polar, with tryptophan, which is neutral and slightly polar, at codon 312 of the ZCCHC8 protein (p.Arg312Trp). In summary, the available evidence is currently insufficient to determine the role of this variant in disease. Therefore, it has been classified as a Variant of Uncertain Significance. Advanced modeling of protein sequence and biophysical properties (such as structural, functional, and spatial information, amino acid conservation, physicochemical variation, residue mobility, and thermodynamic stability) performed at Invitae indicates that this missense variant is expected to disrupt ZCCHC8 protein function. ClinVar contains an entry for this variant (Variation ID: 1040667). This variant has not been reported in the literature in individuals affected with ZCCHC8-related conditions. This variant is present in population databases (rs777624068, gnomAD 0.006%).